The following is an entry in ClinVar:

NM_000257.4(MYH7):c.5361A>G (p.Glu1787=)

Gene: MYH7 (myosin heavy chain 7; minus strand). Cytogenetic location: 14q11.2.
Variant type: single nucleotide variant.
Coding change: c.5361A>G on transcript NM_000257.4 (MANE Select); coding-DNA position 5361, A replaced by G.
Protein change: p.Glu1787=; no amino-acid change (glutamic acid 1787 retained).
Molecular consequence: synonymous variant.
Genome position (GRCh38, 1-based): chr14:23,415,193, T>C on the plus strand (A>G on the coding strand, the complement: MYH7 is on the minus strand). VCF-style: chr14-23415193-T-C. GRCh37 (hg19) VCF-style: chr14-23884402-T-C.
Other names: p.E1787E:GAA>GAG.
Identifiers: ClinVar variation 43065 (VCV000043065.42), dbSNP rs201171029, ClinGen allele CA016008.
Genomic context (GRCh38, chr14:23,415,193, plus strand): 5'-GCCCTTGAGGGCGATCTGCTCGGCTTCGTCCAGCCGGTGCTGCAGGTCCTTAATGGTCTG[T>C]TCCATGTTCTTCTTCATGCGCTCCAGGTGGGCGCTGGTGTCCTGCTCCTTCTTCAGCTCC-3'
Protein context (NP_000248.2, residues 1777-1797): AHLERMKKNM[Glu1787=]QTIKDLQHRL

ClinVar aggregate classification (germline): Benign/Likely benign. Review status: criteria provided, multiple submitters, no conflicts (2 of 4 stars). 14 submissions from 14 submitters: Benign (8); Likely benign (6). Last evaluated 2026-09-01.

Conditions:
Cardiovascular phenotype. Identifiers: MedGen CN230736.
Cardiomyopathy (CMYO). Also called: Cardiomyopathies. Identifiers: Orphanet 167848, MedGen C0878544, MONDO:0004994, HP:0001638. Inheritance: Various modes of inheritance.
Hypertrophic cardiomyopathy. Also called: HYPERTROPHIC MYOCARDIOPATHY. Identifiers: Orphanet 217569, MedGen C0007194, MeSH D002312, MONDO:0005045, HP:0001639.

Allele frequency attached by ClinVar (database versions not stated): gnomAD 0.00008 and 0.00009; 1000 Genomes Project 0.00020; 1000 Genomes Project 30x 0.00031; ExAC 0.00071; gnomAD exomes 0.00022 and 0.00086; TOPMed 0.00029.

Submissions (14):

CeGaT Center for Human Genetics Tuebingen
Classification: Likely benign. Last evaluated: 2026-09-01. Review status: criteria provided, single submitter. Criteria: CeGaT Center For Human Genetics Tuebingen Variant Classification Criteria Version 2. Collection method: clinical testing. Allele origin: germline. Affected: yes. Observed: 16 variant alleles.
Comment: MYH7: BP4, BP7

Labcorp Genetics (formerly Invitae), Labcorp
Classification: Likely benign for Hypertrophic cardiomyopathy. Last evaluated: 2026-01-20. Review status: criteria provided, single submitter. Criteria: Invitae Variant Classification Sherloc (09022015). Collection method: clinical testing. Allele origin: germline.

Molecular Diagnostic Laboratory for Inherited Cardiovascular Disease, Montreal Heart Institute
Classification: Benign. Last evaluated: 2025-04-09. Review status: criteria provided, single submitter. Criteria: ACMG Guidelines, 2015. Collection method: clinical testing. Allele origin: germline. Affected: no.

Women's Health and Genetics/Laboratory Corporation of America, LabCorp
Classification: Likely benign. Last evaluated: 2024-12-06. Review status: criteria provided, single submitter. Criteria: LabCorp Variant Classification Summary - May 2015. Collection method: clinical testing. Allele origin: germline.

Blueprint Genetics
Classification: Likely benign. Last evaluated: 2024-11-06. Review status: criteria provided, single submitter. Criteria: ACMG Guidelines, 2015. Collection method: clinical testing. Allele origin: germline.

All of Us Research Program, National Institutes of Health
Classification: Benign for Cardiomyopathy. Last evaluated: 2024-02-05. Review status: criteria provided, single submitter. Criteria: ACMG Guidelines, 2015. Collection method: clinical testing. Allele origin: germline. Inheritance: Autosomal dominant inheritance. Observed: 53 variant alleles, 52 heterozygotes, 1 homozygote.
Comment: This study involves interpretation of variants in research participants for the purpose of population health screening. Participant phenotype was not available at the time of variant classification. Additional details can be found in publication PMID: 35346344, PMCID: PMC8962531

Ambry Genetics
Classification: Likely benign for Cardiovascular phenotype. Last evaluated: 2019-07-11. Review status: criteria provided, single submitter. Criteria: Ambry Variant Classification Scheme 2023. Collection method: clinical testing. Allele origin: germline.

Color Diagnostics, LLC DBA Color Health
Classification: Benign for Cardiomyopathy. Last evaluated: 2018-07-02. Review status: criteria provided, single submitter. Criteria: ACMG Guidelines, 2015. Collection method: clinical testing. Allele origin: germline.

Athena Diagnostics
Classification: Benign. Last evaluated: 2018-05-14. Review status: criteria provided, single submitter. Criteria: Athena Diagnostics Criteria. Collection method: clinical testing. Allele origin: germline.

ARUP Laboratories, Molecular Genetics and Genomics, ARUP Laboratories
Classification: Benign. Last evaluated: 2018-03-15. Review status: criteria provided, single submitter. Criteria: ARUP Molecular Germline Variant Investigation Process. Collection method: clinical testing. Allele origin: germline.

Eurofins Ntd Llc (ga)
Classification: Benign. Last evaluated: 2015-12-09. Review status: criteria provided, single submitter. Criteria: EGL Classification Definitions 2015. Collection method: clinical testing. Allele origin: germline. Observed: 1 variant allele, 1 heterozygote.

GeneDx
Classification: Benign. Last evaluated: 2014-07-01. Review status: criteria provided, single submitter. Criteria: GeneDx Variant Classification (06012015). Collection method: clinical testing. Allele origin: germline. Affected: yes.
Comment: This variant is considered likely benign or benign based on one or more of the following criteria: it is a conservative change, it occurs at a poorly conserved position in the protein, it is predicted to be benign by multiple in silico algorithms, and/or has population frequency not consistent with disease.

Laboratory for Molecular Medicine, Mass General Brigham Personalized Medicine
Classification: Benign. Last evaluated: 2012-07-07. Review status: criteria provided, single submitter. Criteria: LMM Criteria. Collection method: clinical testing. Allele origin: germline. Observed: 1 variant allele.
Comment: Glu1787Glu in exon 37 of MYH7: This variant is not expected to have clinical sig nificance because it does not alter an amino acid residue and is not located wit hin the splice consensus sequence. This variant is listed in dbSNP and 1000 geno mes with a frequency of 7.6% (10/132) in the Mexican American population (rs2011 71029). Glu1787Glu in exon 37 of MYH7 (rs201171029; allele frequency = 7.6, 10 /132)

Breakthrough Genomics
Classification: Likely benign. Review status: criteria provided, single submitter. Criteria: ACMG Guidelines, 2015. Collection method: not provided. Allele origin: germline. Inheritance: Autosomal recessive inheritance. Affected: yes.

Literature cited by the submitters: PubMed 17125710 (cited by Women's Health and Genetics/Laboratory Corporation of America, LabCorp).